The following is an entry in ClinVar:

ClinVar aggregate classification (germline): Likely benign. Review status: criteria provided, multiple submitters, no conflicts (2 of 4 stars). 3 submissions from 3 submitters: Likely benign (3). Last evaluated 2025-12-07.

Allele frequency attached by ClinVar (database versions not stated): ESP Exome Variant Server 0.00008; TOPMed 0.00010; gnomAD 0.00011 and 0.00015; ExAC 0.00036; 1000 Genomes Project 0.00060; 1000 Genomes Project 30x 0.00062.
gnomAD v4.1: 299 of 1,614,156 alleles (0.019%); highest among the groups gnomAD compares: South Asian, 0.14%; no homozygotes.

Submissions (3):

Labcorp Genetics (formerly Invitae), Labcorp
Classification: Likely benign. Last evaluated: 2025-12-07. Review status: criteria provided, single submitter. Criteria: Invitae Variant Classification Sherloc (09022015). Collection method: clinical testing. Allele origin: germline.

CeGaT Center for Human Genetics Tuebingen
Classification: Likely benign. Last evaluated: 2025-12-01. Review status: criteria provided, single submitter. Criteria: CeGaT Center For Human Genetics Tuebingen Variant Classification Criteria Version 2. Collection method: clinical testing. Allele origin: germline. Affected: yes. Observed: 1 variant allele.
Comment: DLL1: BP4, BP7

Blueprint Genetics
Classification: Likely benign. Last evaluated: 2024-05-10. Review status: criteria provided, single submitter. Criteria: ACMG Guidelines, 2015. Collection method: clinical testing. Allele origin: germline.

NM_005618.4(DLL1):c.990C>T (p.Asp330=)

Gene: DLL1 (delta like canonical Notch ligand 1; minus strand). Cytogenetic location: 6q27.
Variant type: single nucleotide variant.
Coding change: c.990C>T on transcript NM_005618.4 (MANE Select); coding-DNA position 990, C replaced by T.
Protein change: p.Asp330=; no amino-acid change (aspartic acid 330 retained).
Molecular consequence: synonymous variant.
Genome position (GRCh38, 1-based): chr6:170,285,296, G>A on the plus strand (C>T on the coding strand, the complement: DLL1 is on the minus strand). VCF-style: chr6-170285296-G-A. GRCh37 (hg19) VCF-style: chr6-170594384-G-A.
Identifiers: ClinVar variation 726594 (VCV000726594.16), dbSNP rs375576760, ClinGen allele CA4106966.